The following is an entry in ClinVar:

ClinVar aggregate classification (germline): Uncertain significance (1 of 4 stars; one submission).

Submission:

Labcorp Genetics (formerly Invitae), Labcorp
Classification: Uncertain significance. Last evaluated: 2022-02-05. Review status: criteria provided, single submitter. Criteria: Invitae Variant Classification Sherloc (09022015). Collection method: clinical testing. Allele origin: germline.
Comment: This sequence change replaces tyrosine, which is neutral and polar, with histidine, which is basic and polar, at codon 317 of the SERPINB7 protein (p.Tyr317His). In summary, the available evidence is currently insufficient to determine the role of this variant in disease. Therefore, it has been classified as a Variant of Uncertain Significance. Algorithms developed to predict the effect of missense changes on protein structure and function are either unavailable or do not agree on the potential impact of this missense change (SIFT: "Deleterious"; PolyPhen-2: "Probably Damaging"; Align-GVGD: "Class C0"). This variant has not been reported in the literature in individuals affected with SERPINB7-related conditions. This variant is not present in population databases (gnomAD no frequency).

NM_003784.4(SERPINB7):c.949T>C (p.Tyr317His)

Gene: SERPINB7 (serpin family B member 7; plus strand). Cytogenetic location: 18q21.33.
Variant type: single nucleotide variant.
Coding change: c.949T>C on transcript NM_003784.4 (MANE Select); coding-DNA position 949, T replaced by C.
Protein change: p.Tyr317His; replaces tyrosine 317 with histidine.
Molecular consequence: missense variant.
Genome position (GRCh38, 1-based): chr18:63,804,441, T>C. VCF-style: chr18-63804441-T-C. GRCh37 (hg19) VCF-style: chr18-61471675-T-C.
Other names: c.949T>C, p.Tyr317His (NM_001040147.3, NM_001261830.2); c.898T>C, p.Tyr300His (NM_001261831.2); short protein forms Y300H, Y317H.
Identifiers: ClinVar variation 2093351 (VCV002093351.2), dbSNP rs2511626655, ClinGen allele CA402656701.